The following is an entry in ClinVar:

NM_001378778.1(MPDZ):c.2058G>C (p.Glu686Asp)

Gene: MPDZ (multiple PDZ domain crumbs cell polarity complex component; minus strand). Cytogenetic location: 9p23.
Variant type: single nucleotide variant.
Coding change: c.2058G>C on transcript NM_001378778.1 (MANE Select); coding-DNA position 2058, G replaced by C.
Protein change: p.Glu686Asp; replaces glutamic acid 686 with aspartic acid.
Molecular consequence: missense variant.
Genome position (GRCh38, 1-based): chr9:13,190,210, C>G on the plus strand (G>C on the coding strand, the complement: MPDZ is on the minus strand). VCF-style: chr9-13190210-C-G. GRCh37 (hg19) VCF-style: chr9-13190209-C-G.
Other names: c.2058G>C, p.Glu686Asp (NM_001261406.2, NM_001261407.2, NM_001330637.2 and 14 more transcripts); short protein forms E686D.
Identifiers: ClinVar variation 1933182 (VCV001933182.5), dbSNP rs1954710747, ClinGen allele CA372938654.

ClinVar aggregate classification (germline): Uncertain significance (1 of 4 stars; one submission).

Allele frequency attached by ClinVar (database versions not stated): gnomAD 0.00001.
gnomAD v4.1: 2 of 1,613,000 alleles (0.00012%); highest among the groups gnomAD compares: African/African-American, 0.0027%; no homozygotes.

Submission:

Labcorp Genetics (formerly Invitae), Labcorp
Classification: Uncertain significance. Last evaluated: 2022-07-12. Review status: criteria provided, single submitter. Criteria: Invitae Variant Classification Sherloc (09022015). Collection method: clinical testing. Allele origin: germline.
Comment: This sequence change replaces glutamic acid, which is acidic and polar, with aspartic acid, which is acidic and polar, at codon 686 of the MPDZ protein (p.Glu686Asp). This variant is not present in population databases (gnomAD no frequency). This variant has not been reported in the literature in individuals affected with MPDZ-related conditions. Algorithms developed to predict the effect of missense changes on protein structure and function output the following: SIFT: "Deleterious"; PolyPhen-2: "Benign"; Align-GVGD: "Class C0". The aspartic acid amino acid residue is found in multiple mammalian species, which suggests that this missense change does not adversely affect protein function. In summary, the available evidence is currently insufficient to determine the role of this variant in disease. Therefore, it has been classified as a Variant of Uncertain Significance.